The following is an entry in ClinVar:

NM_001374828.1(ARID1B):c.1961C>T (p.Ala654Val)

Gene: ARID1B (AT-rich interaction domain 1B; plus strand). Cytogenetic location: 6q25.3.
Variant type: single nucleotide variant.
Coding change: c.1961C>T on transcript NM_001374828.1 (MANE Select); coding-DNA position 1961, C replaced by T.
Protein change: p.Ala654Val; replaces alanine 654 with valine.
Molecular consequence: missense variant.
Genome position (GRCh38, 1-based): chr6:156,829,396, C>T. VCF-style: chr6-156829396-C-T. GRCh37 (hg19) VCF-style: chr6-157150530-C-T.
Other names: c.1961C>T, p.Ala654Val (NM_001371656.1, NM_001374820.1, NM_017519.3); short protein forms A654V.
Identifiers: ClinVar variation 3635334 (VCV003635334.2).

ClinVar aggregate classification (germline): Uncertain significance (1 of 4 stars; one submission).

Submission:

Labcorp Genetics (formerly Invitae), Labcorp
Classification: Uncertain significance. Last evaluated: 2025-11-10. Review status: criteria provided, single submitter. Criteria: Invitae Variant Classification Sherloc (09022015). Collection method: clinical testing. Allele origin: germline.
Comment: This sequence change replaces alanine, which is neutral and non-polar, with valine, which is neutral and non-polar, at codon 571 of the ARID1B protein (p.Ala571Val). This variant is not present in population databases (gnomAD no frequency). This variant has not been reported in the literature in individuals affected with ARID1B-related conditions. ClinVar contains an entry for this variant (Variation ID: 3635334). Invitae Evidence Modeling of protein sequence and biophysical properties (such as structural, functional, and spatial information, amino acid conservation, physicochemical variation, residue mobility, and thermodynamic stability) indicates that this missense variant is not expected to disrupt ARID1B protein function with a negative predictive value of 95%. In summary, the available evidence is currently insufficient to determine the role of this variant in disease. Therefore, it has been classified as a Variant of Uncertain Significance.